The following is an entry in ClinVar:

NM_003742.4(ABCB11):c.1160G>A (p.Arg387His)

Gene: ABCB11 (ATP binding cassette subfamily B member 11; minus strand). Cytogenetic location: 2q31.1.
Variant type: single nucleotide variant.
Coding change: c.1160G>A on transcript NM_003742.4 (MANE Select); coding-DNA position 1160, G replaced by A.
Protein change: p.Arg387His; replaces arginine 387 with histidine.
Molecular consequence: missense variant.
Genome position (GRCh38, 1-based): chr2:168,979,903, C>T on the plus strand (G>A on the coding strand, the complement: ABCB11 is on the minus strand). VCF-style: chr2-168979903-C-T. GRCh37 (hg19) VCF-style: chr2-169836413-C-T.
Other names: NM_003742.4(ABCB11):c.1160G>A; p.Arg387His; short protein forms R387H.
Identifiers: ClinVar variation 1705188 (VCV001705188.13), dbSNP rs372784355, ClinGen allele CA1951678.

ClinVar aggregate classification (germline): Conflicting classifications of pathogenicity. Review status: criteria provided, conflicting classifications (1 of 4 stars). 7 submissions from 7 submitters: Pathogenic (1); Likely pathogenic (5); Uncertain significance (1). Last evaluated 2026-04-14.

Conditions:
Benign recurrent intrahepatic cholestasis type 2 (BRIC2). Also called: Recurrent familial intrahepatic cholestasis 2. Identifiers: Orphanet 65682, Orphanet 99961, MedGen C2608083, MONDO:0011559, OMIM 605479.
Progressive familial intrahepatic cholestasis type 2. Identifiers: Orphanet 79304, MedGen C3489789, MONDO:0011156, OMIM 601847.
Progressive familial intrahepatic cholestasis (PFIC). Also called: Progressive family intrahepatic cholestasis; Progressive intrahepatic cholestasis. Identifiers: Orphanet 172, MedGen C0268312, MONDO:0015762.
Familial intrahepatic cholestasis. Identifiers: Orphanet 284385, MedGen CN296401, MONDO:0017290.

Allele frequency attached by ClinVar (database versions not stated): ExAC 0.00001; gnomAD exomes 0.00001; gnomAD 0.00003; TOPMed 0.00003; ESP Exome Variant Server 0.00008.
gnomAD v4.1: 20 of 1,608,222 alleles (0.0012%); highest among the groups gnomAD compares: African/African-American, 0.004%; no homozygotes.

Submissions (7):

Genomenon, Inc
Classification: Likely pathogenic for Familial intrahepatic cholestasis. Last evaluated: 2026-04-14. Review status: criteria provided, single submitter. Criteria: Genomenon Sequence Variant Interpretation Standards - Updated. Collection method: curation. Allele origin: germline. Affected: yes.
Comment: ABCB11 p.Arg387His (c.1160G>A) is a missense variant that changes the amino acid at residue 387 from Arginine to Histidine. This variant has been observed in at least one proband with an ABCB11-related disorder (PMID:39960943;36995996;35780807;28733223;20232290). The variant was found to segregate with disease in at least one affected family (PMID:20232290). It has been observed in trans with a pathogenic or likely pathogenic variant (PMID:39960943;20232290). It is absent or not present at a significant frequency in gnomAD. In silico models predict that this variant is possibly or probably damaging. In conclusion, we classify ABCB11 p.Arg387His (c.1160G>A) as a likely pathogenic variant.

Natera, Inc.
Classification: Likely pathogenic for Progressive familial intrahepatic cholestasis type 2. Last evaluated: 2025-09-25. Review status: criteria provided, single submitter. Criteria: Natera Variant Classification Schema (03/2026). Collection method: clinical testing. Allele origin: germline.
Comment: The c.1160G>A variant in ABCB11 is a missense variant predicted to cause substitution of arginine to histidine at amino acid 387. This variant is rare in the general population with a frequency below the threshold expected for the associated phenotype(s). This variant has been observed in one or more individuals affected with the associated recessive disease, as either homozygous or compound heterozygous with a second variant (PMID: 39960943, 36995996, 20232290). Computational prediction algorithms indicate this variant is likely to affect gene or protein function. Given the available evidence, this variant is classified as Likely Pathogenic.

Women's Health and Genetics/Laboratory Corporation of America, LabCorp
Classification: Likely pathogenic for Progressive familial intrahepatic cholestasis. Last evaluated: 2025-06-17. Review status: criteria provided, single submitter. Criteria: LabCorp Variant Classification Summary - May 2015. Collection method: clinical testing. Allele origin: germline.
Comment: Variant summary: ABCB11 c.1160G>A (p.Arg387His) results in a non-conservative amino acid change in the encoded protein sequence. Algorithms developed to predict the effect of missense changes on protein structure and function all suggest that this variant is likely to be disruptive. The variant allele was found at a frequency of 8e-06 in 248890 control chromosomes. c.1160G>A has been observed in the presumed compound heterozygous state in multiple individual(s) affected with Familial Intrahepatic Cholestasis (example, Davit-Spraul_2010, Droge_2017, Thompson_2022, van Wessel_2020). These data indicate that the variant is likely to be associated with disease. To our knowledge, no experimental evidence demonstrating an impact on protein function has been reported. The following publications have been ascertained in the context of this evaluation (PMID: 20232290, 28733223, 31450232, 35780807, 32087350, 37208429, 23758865, 36995996, 22795478, 34426522, 31970404). ClinVar contains an entry for this variant (Variation ID: 1705188). Based on the evidence outlined above, the variant was classified as likely pathogenic.

Broad Center for Mendelian Genomics, Broad Institute of MIT and Harvard
Classification: Uncertain significance for Progressive familial intrahepatic cholestasis type 2. Last evaluated: 2025-01-29. Review status: criteria provided, single submitter. Criteria: ACMG Guidelines, 2015. Collection method: curation. Allele origin: germline. Inheritance: Autosomal recessive inheritance.
Comment: The p.Arg387His variant in ABCB11 has been reported in two individuals with BSEP deficiency (PMID: 20232290, 28733223), and has been identified in 0.004% (3/74666) of African/African American chromosomes by the Genome Aggregation Database (gnomAD; dbSNP rs372784355). Although this variant has been seen in the general population in a heterozygous state, its frequency is low enough to be consistent with a recessive carrier frequency. This variant has also been reported in ClinVar (Variation ID: 1705188) and has been interpreted as pathogenic by Invitae and as a variant of uncertain significance by Women's Health and Genetics/Laboratory Corporation of America (LabCorp). Of the 2 affected individuals, both were compound heterozygotes that carried variants of uncertain significance in trans, which increases the likelihood that the p.Arg387His variant is pathogenic (PMID: 20232290, 28733223). Computational prediction tools and conservation analyses suggest that this variant may impact the protein, though this information is not predictive enough to determine pathogenicity. In summary, the clinical significance of the p.Arg387His variant is uncertain. ACMG/AMP Criteria applied: PP3, PM2_supporting, PM3_supporting (Richards 2015).

Fulgent Genetics
Classification: Likely pathogenic for Progressive familial intrahepatic cholestasis type 2; Benign recurrent intrahepatic cholestasis type 2. Last evaluated: 2024-05-08. Review status: criteria provided, single submitter. Criteria: ACMG Guidelines, 2015. Collection method: clinical testing. Allele origin: germline.

Baylor Genetics
Classification: Likely pathogenic for Benign recurrent intrahepatic cholestasis type 2. Last evaluated: 2024-03-07. Review status: criteria provided, single submitter. Criteria: ACMG Guidelines, 2015. Collection method: clinical testing. Allele origin: unknown.

Labcorp Genetics (formerly Invitae), Labcorp
Classification: Pathogenic. Last evaluated: 2023-10-25. Review status: criteria provided, single submitter. Criteria: Invitae Variant Classification Sherloc (09022015). Collection method: clinical testing. Allele origin: germline.
Comment: This sequence change replaces arginine, which is basic and polar, with histidine, which is basic and polar, at codon 387 of the ABCB11 protein (p.Arg387His). This variant is present in population databases (rs372784355, gnomAD 0.003%). This missense change has been observed in individuals with intrahepatic cholestasis and/or progressive familial intrahepatic cholestasis (PMID: 20232290, 28733223, 31450232). ClinVar contains an entry for this variant (Variation ID: 1705188). Advanced modeling of protein sequence and biophysical properties (such as structural, functional, and spatial information, amino acid conservation, physicochemical variation, residue mobility, and thermodynamic stability) performed at Invitae indicates that this missense variant is expected to disrupt ABCB11 protein function with a positive predictive value of 80%. For these reasons, this variant has been classified as Pathogenic.

Literature cited by the submitters: PubMed 39960943 (cited by Genomenon, Inc and Natera, Inc.); PubMed 36995996 (cited by 3 submitters); PubMed 35780807 (cited by Genomenon, Inc and Women's Health and Genetics/Laboratory Corporation of America, LabCorp); PubMed 28733223 (cited by 3 submitters); PubMed 20232290 (cited by 4 submitters); PubMed 31450232 (cited by Women's Health and Genetics/Laboratory Corporation of America, LabCorp and Labcorp Genetics (formerly Invitae), Labcorp); PubMed 31970404 (cited by Women's Health and Genetics/Laboratory Corporation of America, LabCorp); PubMed 34426522 (cited by Women's Health and Genetics/Laboratory Corporation of America, LabCorp); PubMed 32087350 (cited by Women's Health and Genetics/Laboratory Corporation of America, LabCorp); PubMed 22795478 (cited by Women's Health and Genetics/Laboratory Corporation of America, LabCorp); PubMed 37208429 (cited by Women's Health and Genetics/Laboratory Corporation of America, LabCorp); PubMed 23758865 (cited by Women's Health and Genetics/Laboratory Corporation of America, LabCorp).